The following is an entry in ClinVar:

NM_001242896.3(DEPDC5):c.3638G>A (p.Trp1213Ter)

Gene: DEPDC5 (DEP domain containing 5, GATOR1 subcomplex subunit; plus strand). Cytogenetic location: 22q12.3.
Variant type: single nucleotide variant.
Coding change: c.3638G>A on transcript NM_001242896.3 (MANE Select); coding-DNA position 3638, G replaced by A.
Protein change: p.Trp1213Ter; replaces tryptophan 1213 with a stop codon.
Molecular consequence: nonsense. On other transcripts: non-coding transcript variant (4).
Genome position (GRCh38, 1-based): chr22:31,874,347, G>A. VCF-style: chr22-31874347-G-A. GRCh37 (hg19) VCF-style: chr22-32270333-G-A.
Other names: c.3611G>A, p.Trp1204Ter (NM_001136029.4); c.3338G>A, p.Trp1113Ter (NM_001242897.2); c.3572G>A, p.Trp1191Ter (NM_001363852.2, NM_001364320.2); c.3404G>A, p.Trp1135Ter (NM_001363854.2, NM_001364319.2); c.3638G>A, p.Trp1213Ter (NM_001364318.2); c.3554G>A, p.Trp1185Ter (NM_001369901.1, NM_001369902.1); c.3545G>A, p.Trp1182Ter (NM_001369903.1, NM_014662.6); short protein forms W1185*, W1191*, W1182*, W1213*, W1113*, W1135*, W1204*.
Identifiers: ClinVar variation 1453862 (VCV001453862.6), dbSNP rs2149256695, ClinGen allele CA411277890.

ClinVar aggregate classification (germline): Pathogenic (1 of 4 stars; one submission).

Conditions:
Familial focal epilepsy with variable foci (FPEVF). Identifiers: Orphanet 98820, MedGen C1858477, MONDO:0020310.

Submission:

Labcorp Genetics (formerly Invitae), Labcorp
Classification: Pathogenic for Familial focal epilepsy with variable foci. Last evaluated: 2021-12-06. Review status: criteria provided, single submitter. Criteria: Invitae Variant Classification Sherloc (09022015). Collection method: clinical testing. Allele origin: germline.
Comment: For these reasons, this variant has been classified as Pathogenic. This variant has not been reported in the literature in individuals affected with DEPDC5-related conditions. This variant is not present in population databases (gnomAD no frequency). This sequence change creates a premature translational stop signal (p.Trp1213*) in the DEPDC5 gene. It is expected to result in an absent or disrupted protein product. Loss-of-function variants in DEPDC5 are known to be pathogenic (PMID: 23542697, 23542701).

Literature cited by the submitters: PubMed 23542697; PubMed 23542701.